The following is an entry in ClinVar:

NM_000548.5(TSC2):c.4681A>G (p.Ile1561Val)

Gene: TSC2 (TSC complex subunit 2; plus strand). Cytogenetic location: 16p13.3.
Variant type: single nucleotide variant.
Coding change: c.4681A>G on transcript NM_000548.5 (MANE Select); coding-DNA position 4681, A replaced by G.
Protein change: p.Ile1561Val; replaces isoleucine 1561 with valine.
Molecular consequence: missense variant. On other transcripts: non-coding transcript variant (5).
Genome position (GRCh38, 1-based): chr16:2,086,211, A>G. VCF-style: chr16-2086211-A-G. GRCh37 (hg19) VCF-style: chr16-2136212-A-G.
Other names: c.4423A>G, p.Ile1475Val (NM_001406677.1); c.4369A>G, p.Ile1457Val (NM_001406678.1); c.4333A>G, p.Ile1445Val (NM_001406679.1); c.4081A>G, p.Ile1361Val (NM_001406680.1); c.4009A>G, p.Ile1337Val (NM_001406684.1); c.3883A>G, p.Ile1295Val (NM_001406685.1, NM_001406686.1); c.4021A>G, p.Ile1341Val (NM_001406681.1); c.4012A>G, p.Ile1338Val (NM_001406682.1, NM_001406683.1); and 26 more; short protein forms I1070V, I1317V, I1338V, I1361V, I1475V, I1517V, I1535V, I1537V.
Identifiers: ClinVar variation 3637246 (VCV003637246.2).
Genomic context (GRCh38, chr16:2,086,211, plus strand): 5'-GCCCGGGAGTGATGCCACCCTGCCTCTCCCCTCTCCCCACAGAGCAACAGCGAGCTCGCC[A>G]TCCTGTCCAATGAGCATGGCTCCTACAGGTACACGGAGTTCCTGACGGGCCTGGGCCGGC-3'
Protein context (NP_000539.2, residues 1551-1571): GEGQSNSELA[Ile1561Val]LSNEHGSYRY

ClinVar aggregate classification (germline): Uncertain significance (1 of 4 stars; one submission).

Conditions:
Tuberous sclerosis 2 (TSC2). Identifiers: Orphanet 805, MedGen C1860707, MONDO:0013199, OMIM 613254.

Submission:

Labcorp Genetics (formerly Invitae), Labcorp
Classification: Uncertain significance for Tuberous sclerosis 2. Last evaluated: 2025-11-16. Review status: criteria provided, single submitter. Criteria: Invitae Variant Classification Sherloc (09022015). Collection method: clinical testing. Allele origin: germline.
Comment: This sequence change replaces isoleucine, which is neutral and non-polar, with valine, which is neutral and non-polar, at codon 1561 of the TSC2 protein (p.Ile1561Val). This variant is not present in population databases (gnomAD no frequency). This variant has not been reported in the literature in individuals affected with TSC2-related conditions. ClinVar contains an entry for this variant (Variation ID: 3637246). Invitae Evidence Modeling of protein sequence and biophysical properties (such as structural, functional, and spatial information, amino acid conservation, physicochemical variation, residue mobility, and thermodynamic stability) indicates that this missense variant is not expected to disrupt TSC2 protein function with a negative predictive value of 95%. In summary, the available evidence is currently insufficient to determine the role of this variant in disease. Therefore, it has been classified as a Variant of Uncertain Significance.